The following is an entry in ClinVar:

ClinVar aggregate classification (germline): Uncertain significance. Review status: criteria provided, multiple submitters, no conflicts (2 of 4 stars). 3 submissions from 3 submitters: Uncertain significance (3). Last evaluated 2025-12-08.

Conditions:
Hereditary cancer-predisposing syndrome. Also called: Neoplastic Syndromes, Hereditary; Hereditary Cancer Syndrome; Hereditary neoplastic syndrome; Tumor predisposition. Identifiers: Orphanet 140162, MedGen C0027672, MeSH D009386, MONDO:0015356.

Allele frequency attached by ClinVar (database versions not stated): gnomAD exomes below 0.00001 and 0.00001; TOPMed 0.00002.
gnomAD v4.1: 5 of 1,614,156 alleles (0.00031%); highest among the groups gnomAD compares: South Asian, 0.0011%; no homozygotes.

Submissions (3):

Labcorp Genetics (formerly Invitae), Labcorp
Classification: Uncertain significance. Last evaluated: 2025-12-08. Review status: criteria provided, single submitter. Criteria: Invitae Variant Classification Sherloc (09022015). Collection method: clinical testing. Allele origin: germline.
Comment: This sequence change replaces proline, which is neutral and non-polar, with arginine, which is basic and polar, at codon 632 of the POLE protein (p.Pro632Arg). This variant is present in population databases (no rsID available, gnomAD 0.003%). This variant has not been reported in the literature in individuals affected with POLE-related conditions. ClinVar contains an entry for this variant (Variation ID: 540696). Invitae Evidence Modeling of protein sequence and biophysical properties (such as structural, functional, and spatial information, amino acid conservation, physicochemical variation, residue mobility, and thermodynamic stability) indicates that this missense variant is expected to disrupt POLE protein function with a positive predictive value of 80%. In summary, the available evidence is currently insufficient to determine the role of this variant in disease. Therefore, it has been classified as a Variant of Uncertain Significance.

Ambry Genetics
Classification: Uncertain significance for Hereditary cancer-predisposing syndrome. Last evaluated: 2023-07-23. Review status: criteria provided, single submitter. Criteria: Ambry Variant Classification Scheme 2023. Collection method: clinical testing. Allele origin: germline.
Comment: The p.P632R variant (also known as c.1895C>G), located in coding exon 17 of the POLE gene, results from a C to G substitution at nucleotide position 1895. The proline at codon 632 is replaced by arginine, an amino acid with dissimilar properties. This amino acid position is conserved. In addition, this alteration is predicted to be deleterious by in silico analysis. Since supporting evidence is limited at this time, the clinical significance of this alteration remains unclear.

Quest Diagnostics Nichols Institute San Juan Capistrano
Classification: Uncertain significance. Last evaluated: 2019-04-25. Review status: criteria provided, single submitter. Criteria: Quest Diagnostics criteria. Collection method: clinical testing. Allele origin: germline.

NM_006231.4(POLE):c.1895C>G (p.Pro632Arg)

Gene: POLE (DNA polymerase epsilon, catalytic subunit; minus strand). Cytogenetic location: 12q24.33.
Variant type: single nucleotide variant.
Coding change: c.1895C>G on transcript NM_006231.4 (MANE Select); coding-DNA position 1895, C replaced by G.
Protein change: p.Pro632Arg; replaces proline 632 with arginine.
Molecular consequence: missense variant.
Genome position (GRCh38, 1-based): chr12:132,668,839, G>C on the plus strand (C>G on the coding strand, the complement: POLE is on the minus strand). VCF-style: chr12-132668839-G-C. GRCh37 (hg19) VCF-style: chr12-133245425-G-C.
Other names: short protein forms P632R.
Identifiers: ClinVar variation 540696 (VCV000540696.13), dbSNP rs1218293194, ClinGen allele CA387355320.
Genomic context (GRCh38, chr12:132,668,839, plus strand): 5'-CTCCGACTCTGACACGGGAAGTAAAGTCTCACCTGCAGGCGGTTGGTCAGGATGATGTTG[G>C]GGTACATGGCCCCCACGTCCAGGTGGTAGATGAGTGGACACTCGATGCGGCTGGGAACGT-3'
Protein context (NP_006222.2, residues 622-642): IYHLDVGAMY[Pro632Arg]NIILTNRLQP